The following is an entry in ClinVar:

ClinVar aggregate classification (germline): Uncertain significance. Review status: criteria provided, multiple submitters, no conflicts (2 of 4 stars). 2 submissions from 2 submitters: Uncertain significance (2). Last evaluated 2025-11-12.

Conditions:
CHARGE syndrome (CHARGE). Also called: Hittner Hirsch Kreh syndrome; CHARGE ASSOCIATION--COLOBOMA, HEART ANOMALY, CHOANAL ATRESIA, RETARDATION, GENITAL AND EAR ANOMALIES; Coloboma, heart anomaly, choanal atresia, retardation, genital and ear anomalies; CHARGE association; Hall-Hittner syndrome. Identifiers: Orphanet 138, MedGen C0265354, MONDO:0008965.

gnomAD v4.1: 16 of 1,605,024 alleles (0.001%); highest among the groups gnomAD compares: Non-Finnish European, 0.0012%; no homozygotes.

Submissions (2):

Women's Health and Genetics/Laboratory Corporation of America, LabCorp
Classification: Uncertain significance. Last evaluated: 2025-11-12. Review status: criteria provided, single submitter. Criteria: LabCorp Variant Classification Summary - May 2015. Collection method: clinical testing. Allele origin: germline.
Comment: Variant summary: CHD7 c.7798A>G (p.Thr2600Ala) results in a non-conservative amino acid change in the encoded protein sequence. Algorithms developed to predict the effect of missense changes on protein structure and function are either unavailable or do not agree on the potential impact of this missense change. The variant was absent in 232314 control chromosomes. The available data on variant occurrences in the general population are insufficient to allow any conclusion about variant significance. To our knowledge, no occurrence of c.7798A>G in individuals affected with CHD7-related conditions and no experimental evidence demonstrating its impact on protein function have been reported. ClinVar contains an entry for this variant (Variation ID: 2723347). Based on the evidence outlined above, the variant was classified as uncertain significance.

Labcorp Genetics (formerly Invitae), Labcorp
Classification: Uncertain significance for CHARGE syndrome. Last evaluated: 2024-06-11. Review status: criteria provided, single submitter. Criteria: Invitae Variant Classification Sherloc (09022015). Collection method: clinical testing. Allele origin: germline.
Comment: This sequence change replaces threonine, which is neutral and polar, with alanine, which is neutral and non-polar, at codon 2600 of the CHD7 protein (p.Thr2600Ala). This variant is not present in population databases (gnomAD no frequency). This variant has not been reported in the literature in individuals affected with CHD7-related conditions. Advanced modeling of protein sequence and biophysical properties (such as structural, functional, and spatial information, amino acid conservation, physicochemical variation, residue mobility, and thermodynamic stability) performed at Invitae indicates that this missense variant is not expected to disrupt CHD7 protein function with a negative predictive value of 95%. In summary, the available evidence is currently insufficient to determine the role of this variant in disease. Therefore, it has been classified as a Variant of Uncertain Significance.

NM_017780.4(CHD7):c.7798A>G (p.Thr2600Ala)

Gene: CHD7 (chromodomain helicase DNA binding protein 7; plus strand). Cytogenetic location: 8q12.2.
Variant type: single nucleotide variant.
Coding change: c.7798A>G on transcript NM_017780.4 (MANE Select); coding-DNA position 7798, A replaced by G.
Protein change: p.Thr2600Ala; replaces threonine 2600 with alanine.
Molecular consequence: missense variant. On other transcripts: intron variant (1).
Genome position (GRCh38, 1-based): chr8:60,861,093, A>G. VCF-style: chr8-60861093-A-G. GRCh37 (hg19) VCF-style: chr8-61773652-A-G.
Other names: c.1717-1136A>G (NM_001316690.1); short protein forms T2600A.
Identifiers: ClinVar variation 2723347 (VCV002723347.4), dbSNP rs1805948667, ClinGen allele CA371304721.
Genomic context (GRCh38, chr8:60,861,093, plus strand): 5'-CTGGTGGGGGAAGATGCTCCTAAAAATAAGGATTTAGTTGAATGGCTGAAGCTGCACCCT[A>G]CTTACACTGTTGATATGCCAAGTTATGTACCAGTGAGTATTGCAGAGTTTAGAGTTGGAA-3'
Protein context (NP_060250.2, residues 2590-2610): DLVEWLKLHP[Thr2600Ala]YTVDMPSYVP